The following is an entry in ClinVar:

NM_003482.4(KMT2D):c.3120C>A (p.Ser1040=)

Gene: KMT2D (lysine methyltransferase 2D; minus strand). Cytogenetic location: 12q13.12.
Variant type: single nucleotide variant.
Coding change: c.3120C>A on transcript NM_003482.4 (MANE Select); coding-DNA position 3120, C replaced by A.
Protein change: p.Ser1040=; no amino-acid change (serine 1040 retained).
Molecular consequence: synonymous variant.
Genome position (GRCh38, 1-based): chr12:49,050,468, G>T on the plus strand (C>A on the coding strand, the complement: KMT2D is on the minus strand). VCF-style: chr12-49050468-G-T. GRCh37 (hg19) VCF-style: chr12-49444251-G-T.
Identifiers: ClinVar variation 2173519 (VCV002173519.5), dbSNP rs1444834987, ClinGen allele CA479713923.

ClinVar aggregate classification (germline): Likely benign. Review status: criteria provided, multiple submitters, no conflicts (2 of 4 stars). 2 submissions from 2 submitters: Likely benign (2). Last evaluated 2026-04-15.

Conditions:
KMT2D-related disorder. Also called: KMT2D-Related Disorders.
Kabuki syndrome. Also called: NIIKAWA-KUROKI SYNDROME; Kabuki make-up syndrome. Identifiers: Orphanet 2322, MedGen C0796004, MONDO:0016512.

gnomAD v4.1: 19 of 1,613,852 alleles (0.0012%); highest among the groups gnomAD compares: Non-Finnish European, 0.0014%; no homozygotes.

Submissions (2):

PreventionGenetics, part of Exact Sciences
Classification: Likely benign for KMT2D-related condition. Last evaluated: 2026-04-15. Review status: criteria provided, single submitter. Criteria: ACMG Guidelines, 2015. Collection method: clinical testing. Allele origin: germline.
Comment: This variant is classified as likely benign based on ACMG/AMP sequence variant interpretation guidelines (Richards et al. 2015 PMID: 25741868, with internal and published modifications).

Labcorp Genetics (formerly Invitae), Labcorp
Classification: Likely benign for Kabuki syndrome. Last evaluated: 2022-10-05. Review status: criteria provided, single submitter. Criteria: Invitae Variant Classification Sherloc (09022015). Collection method: clinical testing. Allele origin: germline.